The following is an entry in ClinVar:

ClinVar aggregate classification (germline): Uncertain significance. Review status: criteria provided, multiple submitters, no conflicts (2 of 4 stars). 2 submissions from 2 submitters: Uncertain significance (2). Last evaluated 2025-11-23.

Conditions:
Inborn genetic diseases. Identifiers: MedGen C0950123, MeSH D030342.

Allele frequency attached by ClinVar (database versions not stated): gnomAD exomes 0.00001; ExAC 0.00002; gnomAD 0.00003; TOPMed 0.00003.
gnomAD v4.1: 23 of 1,613,962 alleles (0.0014%); highest among the groups gnomAD compares: Non-Finnish European, 0.0019%; no homozygotes.

Submissions (2):

Labcorp Genetics (formerly Invitae), Labcorp
Classification: Uncertain significance. Last evaluated: 2025-11-23. Review status: criteria provided, single submitter. Criteria: Invitae Variant Classification Sherloc (09022015). Collection method: clinical testing. Allele origin: germline.
Comment: This sequence change replaces threonine, which is neutral and polar, with serine, which is neutral and polar, at codon 196 of the CSF2RB protein (p.Thr196Ser). This variant is present in population databases (rs766424551, gnomAD 0.003%). This variant has not been reported in the literature in individuals affected with CSF2RB-related conditions. ClinVar contains an entry for this variant (Variation ID: 2512858). Invitae Evidence Modeling of protein sequence and biophysical properties (such as structural, functional, and spatial information, amino acid conservation, physicochemical variation, residue mobility, and thermodynamic stability) indicates that this missense variant is not expected to disrupt CSF2RB protein function with a negative predictive value of 80%. In summary, the available evidence is currently insufficient to determine the role of this variant in disease. Therefore, it has been classified as a Variant of Uncertain Significance.

Ambry Genetics
Classification: Uncertain significance for Inborn genetic diseases. Last evaluated: 2023-05-08. Review status: criteria provided, single submitter. Criteria: Ambry Variant Classification Scheme 2023. Collection method: clinical testing. Allele origin: germline.

NM_000395.3(CSF2RB):c.586A>T (p.Thr196Ser)

Gene: CSF2RB (colony stimulating factor 2 receptor subunit beta; plus strand). Cytogenetic location: 22q12.3.
Variant type: single nucleotide variant.
Coding change: c.586A>T on transcript NM_000395.3 (MANE Select); coding-DNA position 586, A replaced by T.
Protein change: p.Thr196Ser; replaces threonine 196 with serine.
Molecular consequence: missense variant.
Genome position (GRCh38, 1-based): chr22:36,929,675, A>T. VCF-style: chr22-36929675-A-T. GRCh37 (hg19) VCF-style: chr22-37325717-A-T.
Other names: c.586A>T, p.Thr196Ser (NM_001410827.1); short protein forms T196S.
Identifiers: ClinVar variation 2512858 (VCV002512858.3), dbSNP rs766424551, ClinGen allele CA10213521.